The following is an entry in ClinVar:

NM_001009944.3(PKD1):c.2854-1G>T

Gene: PKD1 (polycystin 1, transient receptor potential channel interacting; minus strand). Cytogenetic location: 16p13.3.
Variant type: single nucleotide variant.
Coding change: c.2854-1G>T on transcript NM_001009944.3 (MANE Select); the canonical splice acceptor site of the intron before coding-DNA position 2854, G replaced by T.
Molecular consequence: splice acceptor variant.
Genome position (GRCh38, 1-based): chr16:2,113,293, C>A on the plus strand (G>T on the coding strand, the complement: PKD1 is on the minus strand). VCF-style: chr16-2113293-C-A. GRCh37 (hg19) VCF-style: chr16-2163294-C-A.
Other names: c.2854-1G>T (NM_000296.4).
Identifiers: ClinVar variation 2613205 (VCV002613205.3), dbSNP rs2544845417, ClinGen allele CA394385860.

ClinVar aggregate classification (germline): Likely pathogenic. Review status: criteria provided, multiple submitters, no conflicts (2 of 4 stars). 2 submissions from 2 submitters: Likely pathogenic (2). Last evaluated 2025-03-09.

Conditions:
Polycystic kidney disease, adult type (PKD1). Also called: POLYCYSTIC KIDNEY DISEASE 1 WITH OR WITHOUT POLYCYSTIC LIVER DISEASE; Polycystic Kidney Disease 1, Autosomal Dominant; Polycystic kidney disease 1; Polycystic kidney disease 1, severe; Polycystic Kidney, Autosomal Dominant; POLYCYSTIC KIDNEY DISEASE, ADULT, TYPE I. Identifiers: MedGen C3149841, MONDO:0008263, OMIM 173900.
Inborn genetic diseases. Identifiers: MedGen C0950123, MeSH D030342.

Submissions (2):

Variantyx, Inc.
Classification: Likely pathogenic for Polycystic kidney disease, adult type. Last evaluated: 2025-03-09. Review status: criteria provided, single submitter. Criteria: Variantyx Assertion Criteria 2022. Collection method: clinical testing. Allele origin: germline. Affected: yes.
Comment: This is a canonical splicing variant in the PKD1 gene (OMIM: 601313). Pathogenic variants in this gene have been associated with autosomal dominant polycystic kidney disease 1. This splicing variant is expected to result in loss of function, which is a known disease mechanism for PKD1 in this disorder (PMID: 29529603, 24694054, 25491204, 22508176) (PVS1). This variant is absent from control populations (PM2_Supporting). Based on the current evidence, this variant is classified as likely pathogenic for autosomal dominant polycystic kidney disease 1.

Ambry Genetics
Classification: Likely pathogenic for Inborn genetic diseases. Last evaluated: 2023-08-17. Review status: criteria provided, single submitter. Criteria: Ambry Variant Classification Scheme 2023. Collection method: clinical testing. Allele origin: germline.
Comment: The c.2854-1G>T intronic variant results from a G to T substitution one nucleotide before coding exon 12 of the PKD1 gene. Alterations that disrupt the canonical splice site are expected to cause aberrant splicing, resulting in an abnormal protein or a transcript that is subject to nonsense-mediated mRNA decay. This variant was not reported in population-based cohorts in the Genome Aggregation Database (gnomAD). This nucleotide position is highly conserved in available vertebrate species. In silico splice site analysis predicts that this alteration will weaken the native splice acceptor site and will result in the creation or strengthening of a novel splice acceptor site. Based on the available evidence, this alteration is classified as likely pathogenic.